The following is an entry in ClinVar:

NM_005751.5(AKAP9):c.5765-14A>G

Gene: AKAP9 (A-kinase anchoring protein 9; plus strand). Cytogenetic location: 7q21.2.
Variant type: single nucleotide variant.
Coding change: c.5765-14A>G on transcript NM_005751.5 (MANE Select); 14 bases into the intron before coding-DNA position 5765, A replaced by G.
Molecular consequence: intron variant.
Genome position (GRCh38, 1-based): chr7:92,062,260, A>G. VCF-style: chr7-92062260-A-G. GRCh37 (hg19) VCF-style: chr7-91691574-A-G.
Other names: c.5765-14A>G (NM_147185.3); c.410-14A>G (NM_001379277.1).
Identifiers: ClinVar variation 2763509 (VCV002763509.3), dbSNP rs2535194541, ClinGen allele CA2697557369.

ClinVar aggregate classification (germline): Uncertain significance (1 of 4 stars; one submission).

Conditions:
Long QT syndrome (LQTS). Identifiers: MedGen C0023976, MeSH D008133, MONDO:0002442. Disease mechanism: loss of function. Inheritance: Various modes of inheritance.

Submission:

Labcorp Genetics (formerly Invitae), Labcorp
Classification: Uncertain significance for Long QT syndrome. Last evaluated: 2023-09-26. Review status: criteria provided, single submitter. Criteria: Invitae Variant Classification Sherloc (09022015). Collection method: clinical testing. Allele origin: germline.
Comment: This sequence change falls in intron 23 of the AKAP9 gene. It does not directly change the encoded amino acid sequence of the AKAP9 protein. This variant is not present in population databases (gnomAD no frequency). This variant has not been reported in the literature in individuals affected with AKAP9-related conditions. Algorithms developed to predict the effect of sequence changes on RNA splicing suggest that this variant may disrupt the consensus splice site. In summary, the available evidence is currently insufficient to determine the role of this variant in disease. Therefore, it has been classified as a Variant of Uncertain Significance.